The following is an entry in ClinVar:

ClinVar aggregate classification (germline): Conflicting classifications of pathogenicity. Review status: criteria provided, conflicting classifications (1 of 4 stars). 2 submissions from 2 submitters: Likely pathogenic (1); Uncertain significance (1). Last evaluated 2024-10-01.

Conditions:
Progressive sclerosing poliodystrophy (MTDPS4A). Also called: ALPERS DIFFUSE DEGENERATION OF CEREBRAL GRAY MATTER WITH HEPATIC CIRRHOSIS; Alpers-Huttenlocher Syndrome; ALPERS PROGRESSIVE INFANTILE POLIODYSTROPHY; Mitochondrial DNA Depletion Syndrome 4A; Alpers Syndrome; Alpers-Huttenlocher Syndrome (AHS). Identifiers: Orphanet 726, MedGen C0205710, MONDO:0008758, OMIM 203700.

Submissions (2):

CeGaT Center for Human Genetics Tuebingen
Classification: Likely pathogenic. Last evaluated: 2024-10-01. Review status: criteria provided, single submitter. Criteria: CeGaT Center For Human Genetics Tuebingen Variant Classification Criteria Version 2. Collection method: clinical testing. Allele origin: germline. Affected: yes. Observed: 2 variant alleles.
Comment: POLG: PM2, PM3, PP3, PP4

Labcorp Genetics (formerly Invitae), Labcorp
Classification: Uncertain significance for Progressive sclerosing poliodystrophy. Last evaluated: 2021-05-27. Review status: criteria provided, single submitter. Criteria: Invitae Variant Classification Sherloc (09022015). Collection method: clinical testing. Allele origin: germline.
Comment: This sequence change replaces methionine with arginine at codon 1116 of the POLG protein (p.Met1116Arg). The methionine residue is highly conserved and there is a moderate physicochemical difference between methionine and arginine. This variant is not present in population databases (ExAC no frequency). This variant has not been reported in the literature in individuals with POLG-related conditions. Algorithms developed to predict the effect of missense changes on protein structure and function (SIFT, PolyPhen-2, Align-GVGD) all suggest that this variant is likely to be disruptive, but these predictions have not been confirmed by published functional studies and their clinical significance is uncertain. Algorithms developed to predict the effect of sequence changes on RNA splicing suggest that this variant may create or strengthen a splice site, but this prediction has not been confirmed by published transcriptional studies. In summary, the available evidence is currently insufficient to determine the role of this variant in disease. Therefore, it has been classified as a Variant of Uncertain Significance.

NM_002693.3(POLG):c.3347T>G (p.Met1116Arg)

Gene: POLG (DNA polymerase gamma, catalytic subunit; minus strand). Cytogenetic location: 15q26.1.
Variant type: single nucleotide variant.
Coding change: c.3347T>G on transcript NM_002693.3 (MANE Select); coding-DNA position 3347, T replaced by G.
Protein change: p.Met1116Arg; replaces methionine 1116 with arginine.
Molecular consequence: missense variant.
Genome position (GRCh38, 1-based): chr15:89,318,676, A>C on the plus strand (T>G on the coding strand, the complement: POLG is on the minus strand). VCF-style: chr15-89318676-A-C. GRCh37 (hg19) VCF-style: chr15-89861907-A-C.
Other names: c.3347T>G, p.Met1116Arg (NM_001126131.2); short protein forms M1116R.
Identifiers: ClinVar variation 1356723 (VCV001356723.22), dbSNP rs764036283, ClinGen allele CA393749929.